The following is an entry in ClinVar:

NM_199420.4(POLQ):c.3469A>C (p.Lys1157Gln)

Gene: POLQ (DNA polymerase theta; minus strand). Cytogenetic location: 3q13.33.
Variant type: single nucleotide variant.
Coding change: c.3469A>C on transcript NM_199420.4 (MANE Select); coding-DNA position 3469, A replaced by C.
Protein change: p.Lys1157Gln; replaces lysine 1157 with glutamine.
Molecular consequence: missense variant.
Genome position (GRCh38, 1-based): chr3:121,489,462, T>G on the plus strand (A>C on the coding strand, the complement: POLQ is on the minus strand). VCF-style: chr3-121489462-T-G. GRCh37 (hg19) VCF-style: chr3-121208309-T-G.
Other names: short protein forms K1157Q.
Identifiers: ClinVar variation 1731707 (VCV001731707.2), dbSNP rs2546787359, ClinGen allele CA354099816.

ClinVar aggregate classification (germline): Uncertain significance (1 of 4 stars; one submission).

Allele frequency attached by ClinVar (database versions not stated): gnomAD exomes below 0.00001.
gnomAD v4.1: 1 of 1,614,090 alleles (0.000062%); highest among the groups gnomAD compares: Non-Finnish European, 0.000085%; no homozygotes.

Submission:

Ambry Genetics
Classification: Uncertain significance. Last evaluated: 2021-11-03. Review status: criteria provided, single submitter. Criteria: Ambry Variant Classification Scheme 2023. Collection method: clinical testing. Allele origin: germline.
Comment: The p.K1157Q variant (also known as c.3469A>C), located in coding exon 16 of the POLQ gene, results from an A to C substitution at nucleotide position 3469. The lysine at codon 1157 is replaced by glutamine, an amino acid with similar properties. This amino acid position is conserved. In addition, this alteration is predicted to be tolerated by in silico analysis. Since supporting evidence is limited at this time, the clinical significance of this alteration remains unclear.